The following is an entry in ClinVar:

ClinVar aggregate classification (germline): Uncertain significance (1 of 4 stars; one submission).

Submission:

CeGaT Center for Human Genetics Tuebingen
Classification: Uncertain significance. Last evaluated: 2024-05-01. Review status: criteria provided, single submitter. Criteria: CeGaT Center For Human Genetics Tuebingen Variant Classification Criteria Version 2. Collection method: clinical testing. Allele origin: germline. Affected: yes. Observed: 1 variant allele.
Comment: ZNF462: PM2:Supporting

NM_021224.6(ZNF462):c.4784A>G (p.His1595Arg)

Gene: ZNF462 (zinc finger protein 462; plus strand). Cytogenetic location: 9q31.2.
Variant type: single nucleotide variant.
Coding change: c.4784A>G on transcript NM_021224.6 (MANE Select); coding-DNA position 4784, A replaced by G.
Protein change: p.His1595Arg; replaces histidine 1595 with arginine.
Molecular consequence: missense variant. On other transcripts: intron variant (1).
Genome position (GRCh38, 1-based): chr9:106,928,696, A>G. VCF-style: chr9-106928696-A-G. GRCh37 (hg19) VCF-style: chr9-109690977-A-G.
Other names: c.3252+1532A>G (NM_001347997.2); short protein forms H1595R.
Identifiers: ClinVar variation 3239514 (VCV003239514.19), dbSNP rs2538802527.